The following is an entry in ClinVar:

NM_004104.5(FASN):c.1471C>T (p.Pro491Ser)

Gene: FASN (fatty acid synthase; minus strand). Cytogenetic location: 17q25.3.
Variant type: single nucleotide variant.
Coding change: c.1471C>T on transcript NM_004104.5 (MANE Select); coding-DNA position 1471, C replaced by T.
Protein change: p.Pro491Ser; replaces proline 491 with serine.
Molecular consequence: missense variant.
Genome position (GRCh38, 1-based): chr17:82,091,243, G>A on the plus strand (C>T on the coding strand, the complement: FASN is on the minus strand). VCF-style: chr17-82091243-G-A. GRCh37 (hg19) VCF-style: chr17-80049119-G-A.
Other names: short protein forms P491S.
Identifiers: ClinVar variation 3671110 (VCV003671110.2).

ClinVar aggregate classification (germline): Uncertain significance (1 of 4 stars; one submission).

Conditions:
Epileptic encephalopathy. Identifiers: MedGen C0543888, HP:0200134.

Submission:

Labcorp Genetics (formerly Invitae), Labcorp
Classification: Uncertain significance for Epileptic encephalopathy. Last evaluated: 2024-02-12. Review status: criteria provided, single submitter. Criteria: Invitae Variant Classification Sherloc (09022015). Collection method: clinical testing. Allele origin: germline.
Comment: This sequence change replaces proline, which is neutral and non-polar, with serine, which is neutral and polar, at codon 491 of the FASN protein (p.Pro491Ser). This variant is present in population databases (rs375289808, gnomAD 0.004%). This variant has not been reported in the literature in individuals affected with FASN-related conditions. An algorithm developed to predict the effect of missense changes on protein structure and function (PolyPhen-2) suggests that this variant is likely to be disruptive. In summary, the available evidence is currently insufficient to determine the role of this variant in disease. Therefore, it has been classified as a Variant of Uncertain Significance.